The following is an entry in ClinVar:

ClinVar aggregate classification (germline): Uncertain significance. Review status: criteria provided, multiple submitters, no conflicts (2 of 4 stars). 2 submissions from 2 submitters: Uncertain significance (2). Last evaluated 2026-01-11.

Conditions:
Hereditary cancer-predisposing syndrome. Also called: Tumor predisposition; Hereditary Cancer Syndrome; Hereditary neoplastic syndrome; Neoplastic Syndromes, Hereditary. Identifiers: Orphanet 140162, MedGen C0027672, MeSH D009386, MONDO:0015356.
Gastrointestinal stromal tumor. Also called: Gastrointestinal stroma tumor; Gastrointestinal stromal tumor, somatic. Identifiers: Orphanet 44890, MedGen C0238198, MeSH D046152, MONDO:0011719, OMIM 606764, HP:0100723.

Allele frequency attached by ClinVar (database versions not stated): TOPMed below 0.00001; gnomAD 0.00001.

Submissions (2):

Labcorp Genetics (formerly Invitae), Labcorp
Classification: Uncertain significance for Gastrointestinal stromal tumor. Last evaluated: 2026-01-11. Review status: criteria provided, single submitter. Criteria: Invitae Variant Classification Sherloc (09022015). Collection method: clinical testing. Allele origin: germline.
Comment: This sequence change replaces threonine, which is neutral and polar, with proline, which is neutral and non-polar, at codon 105 of the PDGFRA protein (p.Thr105Pro). This variant is not present in population databases (gnomAD no frequency). This variant has not been reported in the literature in individuals affected with PDGFRA-related conditions. ClinVar contains an entry for this variant (Variation ID: 2202504). An algorithm developed to predict the effect of missense changes on protein structure and function (PolyPhen-2) suggests that this variant is likely to be disruptive. In summary, the available evidence is currently insufficient to determine the role of this variant in disease. Therefore, it has been classified as a Variant of Uncertain Significance.

Ambry Genetics
Classification: Uncertain significance for Hereditary cancer-predisposing syndrome. Last evaluated: 2025-03-19. Review status: criteria provided, single submitter. Criteria: Ambry Variant Classification Scheme 2023. Collection method: clinical testing. Allele origin: germline.
Comment: The p.T105P variant (also known as c.313A>C), located in coding exon 2 of the PDGFRA gene, results from an A to C substitution at nucleotide position 313. The threonine at codon 105 is replaced by proline, an amino acid with highly similar properties. This amino acid position is well conserved in available vertebrate species. In addition, this alteration is predicted to be tolerated by in silico analysis. Based on the available evidence, the clinical significance of this variant remains unclear.

NM_006206.6(PDGFRA):c.313A>C (p.Thr105Pro)

Gene: PDGFRA (platelet derived growth factor receptor alpha; plus strand). Cytogenetic location: 4q12.
Variant type: single nucleotide variant.
Coding change: c.313A>C on transcript NM_006206.6 (MANE Select); coding-DNA position 313, A replaced by C.
Protein change: p.Thr105Pro; replaces threonine 105 with proline.
Molecular consequence: missense variant.
Genome position (GRCh38, 1-based): chr4:54,261,358, A>C. VCF-style: chr4-54261358-A-C. GRCh37 (hg19) VCF-style: chr4-55127525-A-C.
Other names: c.313A>C, p.Thr105Pro (NM_001347829.2, NM_001347827.2); c.352A>C, p.Thr118Pro (NM_001347830.2); c.388A>C, p.Thr130Pro (NM_001347828.2); short protein forms T118P, T130P, T105P.
Identifiers: ClinVar variation 2202504 (VCV002202504.5), dbSNP rs1281779836, ClinGen allele CA356888910.
Genomic context (GRCh38, chr4:54,261,358, plus strand): 5'-TTGGAAGTGAGCAGTGCCTCGGCGGCCCACACAGGGTTGTACACTTGCTATTACAACCAC[A>C]CTCAGACAGAAGAGAATGAGCTTGAAGGCAGGCACATTTACATCTATGTGCCAGGTGAGT-3'
Protein context (NP_006197.1, residues 95-115): TGLYTCYYNH[Thr105Pro]QTEENELEGR